The following is an entry in ClinVar:

ClinVar aggregate classification (germline): Likely benign (1 of 4 stars; one submission).

Submission:

GeneDx
Classification: Likely benign. Last evaluated: 2017-08-03. Review status: criteria provided, single submitter. Criteria: GeneDx Variant Classification (06012015). Collection method: clinical testing. Allele origin: germline. Affected: yes.
Comment: This variant is considered likely benign or benign based on one or more of the following criteria: it is a conservative change, it occurs at a poorly conserved position in the protein, it is predicted to be benign by multiple in silico algorithms, and/or has population frequency not consistent with disease.

NM_014795.4(ZEB2):c.141T>A (p.Ala47=)

Gene: ZEB2 (zinc finger E-box binding homeobox 2; minus strand). Cytogenetic location: 2q22.3.
Variant type: single nucleotide variant.
Coding change: c.141T>A on transcript NM_014795.4 (MANE Select); coding-DNA position 141, T replaced by A.
Protein change: p.Ala47=; no amino-acid change (alanine 47 retained).
Molecular consequence: synonymous variant.
Genome position (GRCh38, 1-based): chr2:144,429,959, A>T on the plus strand (T>A on the coding strand, the complement: ZEB2 is on the minus strand). VCF-style: chr2-144429959-A-T. GRCh37 (hg19) VCF-style: chr2-145187526-A-T.
Other names: c.141T>A, p.Ala47= (NM_001171653.2).
Identifiers: ClinVar variation 511251 (VCV000511251.1), dbSNP rs1250280865, ClinGen allele CA429220696.
Genomic context (GRCh38, chr2:144,429,959, plus strand): 5'-GTTGGGCACACTAGCTGGACTCGTCTCCTGGTCCAGAGGGTTGGCAATACCGTCATCCTC[A>T]GCAATATGAAGCTTGTCTTCCTCATCTGTTTCAGAACCTGTGTCCACTACATTGTCATAG-3'
Protein context (NP_055610.1, residues 37-57): ETDEEDKLHI[Ala47=]EDDGIANPLD